The following is an entry in ClinVar:

NM_002168.4(IDH2):c.1255A>G (p.Ile419Val)

Gene: IDH2 (isocitrate dehydrogenase (NADP(+)) 2; minus strand). Cytogenetic location: 15q26.1.
Variant type: single nucleotide variant.
Coding change: c.1255A>G on transcript NM_002168.4 (MANE Select); coding-DNA position 1255, A replaced by G.
Protein change: p.Ile419Val; replaces isoleucine 419 with valine.
Molecular consequence: missense variant.
Genome position (GRCh38, 1-based): chr15:90,084,832, T>C on the plus strand (A>G on the coding strand, the complement: IDH2 is on the minus strand). VCF-style: chr15-90084832-T-C. GRCh37 (hg19) VCF-style: chr15-90628064-T-C.
Other names: c.1099A>G, p.Ile367Val (NM_001289910.1); c.865A>G, p.Ile289Val (NM_001290114.2); short protein forms I289V, I367V, I419V.
Identifiers: ClinVar variation 1922679 (VCV001922679.5), dbSNP rs1423721679, ClinGen allele CA393818185.

ClinVar aggregate classification (germline): Uncertain significance (1 of 4 stars; one submission).

Conditions:
D-2-hydroxyglutaric aciduria 2 (D2HGA2). Identifiers: Orphanet 79315, MedGen C3150909, MONDO:0013345, OMIM 613657.

Allele frequency attached by ClinVar (database versions not stated): gnomAD exomes 0.00001.
gnomAD v4.1: 5 of 1,613,920 alleles (0.00031%); highest among the groups gnomAD compares: Middle Eastern, 0.016%; no homozygotes.

Submission:

Labcorp Genetics (formerly Invitae), Labcorp
Classification: Uncertain significance for D-2-hydroxyglutaric aciduria 2. Last evaluated: 2025-12-15. Review status: criteria provided, single submitter. Criteria: Invitae Variant Classification Sherloc (09022015). Collection method: clinical testing. Allele origin: germline.
Comment: This sequence change replaces isoleucine, which is neutral and non-polar, with valine, which is neutral and non-polar, at codon 419 of the IDH2 protein (p.Ile419Val). The frequency data for this variant in the population databases is considered unreliable, as metrics indicate poor data quality at this position in the gnomAD database. This variant has not been reported in the literature in individuals affected with IDH2-related conditions. ClinVar contains an entry for this variant (Variation ID: 1922679). Invitae Evidence Modeling of protein sequence and biophysical properties (such as structural, functional, and spatial information, amino acid conservation, physicochemical variation, residue mobility, and thermodynamic stability) indicates that this missense variant is not expected to disrupt IDH2 protein function with a negative predictive value of 80%. In summary, the available evidence is currently insufficient to determine the role of this variant in disease. Therefore, it has been classified as a Variant of Uncertain Significance.